The following is an entry in ClinVar:

NM_032043.3(BRIP1):c.934T>A (p.Phe312Ile)

Gene: BRIP1 (BRCA1 interacting DNA helicase 1; minus strand). Cytogenetic location: 17q23.2.
Variant type: single nucleotide variant.
Coding change: c.934T>A on transcript NM_032043.3 (MANE Select); coding-DNA position 934, T replaced by A.
Protein change: p.Phe312Ile; replaces phenylalanine 312 with isoleucine.
Molecular consequence: missense variant.
Genome position (GRCh38, 1-based): chr17:61,801,459, A>T on the plus strand (T>A on the coding strand, the complement: BRIP1 is on the minus strand). VCF-style: chr17-61801459-A-T. GRCh37 (hg19) VCF-style: chr17-59878820-A-T.
Other names: short protein forms F312I.
Identifiers: ClinVar variation 1494326 (VCV001494326.7), dbSNP rs2145342258, ClinGen allele CA400484297.
Genomic context (GRCh38, chr17:61,801,459, plus strand): 5'-ACATCCCTTGGAAAGTCTGTAATGTGTGCTGATCACTAATTTTATGAACTCCATGATAAA[A>T]ATAGCAGGATTTTCCCTAGAAACAAATATGCATAACTGAAATGTGAACCAATATTAGCAT-3'
Protein context (NP_114432.2, residues 302-322): LDGKNGKSCY[Phe312Ile]YHGVHKISDQ

ClinVar aggregate classification (germline): Uncertain significance. Review status: criteria provided, multiple submitters, no conflicts (2 of 4 stars). 2 submissions from 2 submitters: Uncertain significance (2). Last evaluated 2025-11-09.

Conditions:
Hereditary cancer-predisposing syndrome. Also called: Neoplastic Syndromes, Hereditary; Tumor predisposition; Hereditary neoplastic syndrome; Hereditary Cancer Syndrome. Identifiers: Orphanet 140162, MedGen C0027672, MeSH D009386, MONDO:0015356.
Fanconi anemia complementation group J. Also called: BRIP1-Related Fanconi Anemia. Identifiers: Orphanet 84, MedGen C1836860, MONDO:0012187, OMIM 609054.
Familial cancer of breast. Also called: BREAST CANCER, FAMILIAL; Hereditary breast cancer; hereditary breast carcinoma. Identifiers: Orphanet 227535, MedGen C0346153, MONDO:0016419, OMIM 114480. Disease mechanism: loss of function.

Submissions (2):

Labcorp Genetics (formerly Invitae), Labcorp
Classification: Uncertain significance for Familial cancer of breast; Fanconi anemia complementation group J. Last evaluated: 2025-11-09. Review status: criteria provided, single submitter. Criteria: Invitae Variant Classification Sherloc (09022015). Collection method: clinical testing. Allele origin: germline.
Comment: This sequence change replaces phenylalanine, which is neutral and non-polar, with isoleucine, which is neutral and non-polar, at codon 312 of the BRIP1 protein (p.Phe312Ile). This variant is not present in population databases (gnomAD no frequency). This variant has not been reported in the literature in individuals affected with BRIP1-related conditions. ClinVar contains an entry for this variant (Variation ID: 1494326). Invitae Evidence Modeling of protein sequence and biophysical properties (such as structural, functional, and spatial information, amino acid conservation, physicochemical variation, residue mobility, and thermodynamic stability) has been performed for this missense variant. However, the output from this modeling did not meet the statistical confidence thresholds required to predict the impact of this variant on BRIP1 protein function. In summary, the available evidence is currently insufficient to determine the role of this variant in disease. Therefore, it has been classified as a Variant of Uncertain Significance.

Ambry Genetics
Classification: Uncertain significance for Hereditary cancer-predisposing syndrome. Last evaluated: 2020-07-28. Review status: criteria provided, single submitter. Criteria: Ambry Variant Classification Scheme 2023. Collection method: clinical testing. Allele origin: germline.
Comment: The p.F312I variant (also known as c.934T>A), located in coding exon 7 of the BRIP1 gene, results from a T to A substitution at nucleotide position 934. The phenylalanine at codon 312 is replaced by isoleucine, an amino acid with highly similar properties. This amino acid position is not well conserved in available vertebrate species. In addition, the in silico prediction for this alteration is inconclusive. Since supporting evidence is limited at this time, the clinical significance of this alteration remains unclear.